The following is an entry in ClinVar:

NM_004519.4(KCNQ3):c.387-3T>C

Gene: KCNQ3 (potassium voltage-gated channel subfamily Q member 3; minus strand). Cytogenetic location: 8q24.22.
Variant type: single nucleotide variant.
Coding change: c.387-3T>C on transcript NM_004519.4 (MANE Select); 3 bases into the intron before coding-DNA position 387, T replaced by C.
Molecular consequence: intron variant.
Genome position (GRCh38, 1-based): chr8:132,186,184, A>G on the plus strand (T>C on the coding strand, the complement: KCNQ3 is on the minus strand). VCF-style: chr8-132186184-A-G. GRCh37 (hg19) VCF-style: chr8-133198431-A-G.
Other names: c.27-3T>C (NM_001204824.2).
Identifiers: ClinVar variation 1426084 (VCV001426084.8), dbSNP rs199639193, ClinGen allele CA4880928.

ClinVar aggregate classification (germline): Uncertain significance. Review status: criteria provided, multiple submitters, no conflicts (2 of 4 stars). 2 submissions from 2 submitters: Uncertain significance (2). Last evaluated 2021-02-15.

Conditions:
Inborn genetic diseases. Identifiers: MedGen C0950123, MeSH D030342.
Benign neonatal seizures. Also called: Benign neonatal familial convulsions; Benign familial neonatal seizures; Convulsions benign familial neonatal dominant form; Autosomal dominant form of benign neonatal seizures; Benign familial neonatal epilepsy. Identifiers: Orphanet 1949, MedGen C0220669, MONDO:0016027.

Allele frequency attached by ClinVar (database versions not stated): gnomAD 0.00001; gnomAD exomes 0.00001 and 0.00002; TOPMed 0.00001; ExAC 0.00003.
gnomAD v4.1: 13 of 1,608,644 alleles (0.00081%); highest among the groups gnomAD compares: Non-Finnish European, 0.0011%; no homozygotes.

Submissions (2):

Labcorp Genetics (formerly Invitae), Labcorp
Classification: Uncertain significance for Benign neonatal seizures. Last evaluated: 2021-02-15. Review status: criteria provided, single submitter. Criteria: Invitae Variant Classification Sherloc (09022015). Collection method: clinical testing. Allele origin: germline.
Comment: This sequence change falls in intron 1 of the KCNQ3 gene. It does not directly change the encoded amino acid sequence of the KCNQ3 protein. It affects a nucleotide within the consensus splice site of the intron. In summary, the available evidence is currently insufficient to determine the role of this variant in disease. Therefore, it has been classified as a Variant of Uncertain Significance. Nucleotide substitutions within the consensus splice site are a relatively common cause of aberrant splicing (PMID: 17576681, 9536098). Algorithms developed to predict the effect of sequence changes on RNA splicing suggest that this variant is not likely to affect RNA splicing, but this prediction has not been confirmed by published transcriptional studies. This variant has not been reported in the literature in individuals with KCNQ3-related conditions. This variant is present in population databases (rs199639193, ExAC 0.005%).

Ambry Genetics
Classification: Uncertain significance for Inborn genetic diseases. Last evaluated: 2018-09-26. Review status: criteria provided, single submitter. Criteria: Ambry Variant Classification Scheme 2023. Collection method: clinical testing. Allele origin: germline.
Comment: The c.387-3T>C intronic variant results from a T to C substitution 3 nucleotides upstream from coding exon 2 in the KCNQ3 gene. This nucleotide position is poorly conserved in available vertebrate species. Using the BDGP and ESEfinder splice site prediction tools, this alteration is not predicted to have any significant effect on this splice acceptor site; however, direct evidence is unavailable. Since supporting evidence is limited at this time, the clinical significance of this alteration remains unclear.

Literature cited by the submitters: PubMed 17576681 (cited by Labcorp Genetics (formerly Invitae), Labcorp); PubMed 9536098 (cited by Labcorp Genetics (formerly Invitae), Labcorp).